The following is an entry in ClinVar:

NM_025074.7(FRAS1):c.3657dup (p.Val1220fs)

Gene: FRAS1 (Fraser extracellular matrix complex subunit 1; plus strand). Cytogenetic location: 4q21.21.
Variant type: Duplication.
Coding change: c.3657dup on transcript NM_025074.7 (MANE Select); coding-DNA position 3657, one base duplicated (T; older notation c.3657dupT).
Protein change: p.Val1220fs; shifts the reading frame from valine 1220.
Molecular consequence: frameshift variant.
Genome position (GRCh38, 1-based): chr4:78,387,383, T duplicated. VCF-style (leftmost placement, unchanged base first): chr4-78387382-A-AT. GRCh37 (hg19) VCF-style: chr4-79308536-A-AT.
Other names: c.3657dup, p.Val1220fs (NM_001166133.2); short protein forms V1220fs.
Identifiers: ClinVar variation 2711215 (VCV002711215.3), dbSNP rs2476963629, ClinGen allele CA2697546765.

ClinVar aggregate classification (germline): Pathogenic (1 of 4 stars; one submission).

Submission:

Labcorp Genetics (formerly Invitae), Labcorp
Classification: Pathogenic. Last evaluated: 2024-01-25. Review status: criteria provided, single submitter. Criteria: Invitae Variant Classification Sherloc (09022015). Collection method: clinical testing. Allele origin: germline.
Comment: This sequence change creates a premature translational stop signal (p.Val1220Cysfs*5) in the FRAS1 gene. It is expected to result in an absent or disrupted protein product. Loss-of-function variants in FRAS1 are known to be pathogenic (PMID: 12766769, 18671281). This variant is not present in population databases (gnomAD no frequency). This variant has not been reported in the literature in individuals affected with FRAS1-related conditions. For these reasons, this variant has been classified as Pathogenic.

Literature cited by the submitters: PubMed 12766769; PubMed 18671281.